The following is an entry in ClinVar:

ClinVar aggregate classification (germline): Uncertain significance (1 of 4 stars; one submission).

Submission:

Labcorp Genetics (formerly Invitae), Labcorp
Classification: Uncertain significance. Last evaluated: 2022-01-14. Review status: criteria provided, single submitter. Criteria: Invitae Variant Classification Sherloc (09022015). Collection method: clinical testing. Allele origin: germline.
Comment: In summary, the available evidence is currently insufficient to determine the role of this variant in disease. Therefore, it has been classified as a Variant of Uncertain Significance. Advanced modeling of protein sequence and biophysical properties (such as structural, functional, and spatial information, amino acid conservation, physicochemical variation, residue mobility, and thermodynamic stability) performed at Invitae indicates that this missense variant is not expected to disrupt COL11A1 protein function. This variant has not been reported in the literature in individuals affected with COL11A1-related conditions. This variant is not present in population databases (gnomAD no frequency). This sequence change replaces lysine, which is basic and polar, with arginine, which is basic and polar, at codon 68 of the COL11A1 protein (p.Lys68Arg).

NM_001854.4(COL11A1):c.203A>G (p.Lys68Arg)

Gene: COL11A1 (collagen type XI alpha 1 chain; minus strand). Cytogenetic location: 1p21.1.
Variant type: single nucleotide variant.
Coding change: c.203A>G on transcript NM_001854.4 (MANE Select); coding-DNA position 203, A replaced by G.
Protein change: p.Lys68Arg; replaces lysine 68 with arginine.
Molecular consequence: missense variant. On other transcripts: non-coding transcript variant (1).
Genome position (GRCh38, 1-based): chr1:103,082,876, T>C on the plus strand (A>G on the coding strand, the complement: COL11A1 is on the minus strand). VCF-style: chr1-103082876-T-C. GRCh37 (hg19) VCF-style: chr1-103548432-T-C.
Other names: c.203A>G, p.Lys68Arg (NM_001168249.1, NM_001190709.2, NM_080629.3 and 1 more transcripts); short protein forms K68R.
Identifiers: ClinVar variation 2082828 (VCV002082828.4), dbSNP rs2526236880, ClinGen allele CA341168639.